The following is an entry in ClinVar:

ClinVar aggregate classification (germline): Uncertain significance (1 of 4 stars; one submission).

Submission:

Labcorp Genetics (formerly Invitae), Labcorp
Classification: Uncertain significance. Last evaluated: 2024-02-22. Review status: criteria provided, single submitter. Criteria: Invitae Variant Classification Sherloc (09022015). Collection method: clinical testing. Allele origin: germline.
Comment: This sequence change replaces glycine, which is neutral and non-polar, with arginine, which is basic and polar, at codon 129 of the ACAN protein (p.Gly129Arg). This variant is not present in population databases (gnomAD no frequency). This variant has not been reported in the literature in individuals affected with ACAN-related conditions. Advanced modeling of protein sequence and biophysical properties (such as structural, functional, and spatial information, amino acid conservation, physicochemical variation, residue mobility, and thermodynamic stability) performed at Invitae indicates that this missense variant is not expected to disrupt ACAN protein function with a negative predictive value of 80%. In summary, the available evidence is currently insufficient to determine the role of this variant in disease. Therefore, it has been classified as a Variant of Uncertain Significance.

NM_001369268.1(ACAN):c.385G>C (p.Gly129Arg)

Gene: ACAN (aggrecan; plus strand). Cytogenetic location: 15q26.1.
Variant type: single nucleotide variant.
Coding change: c.385G>C on transcript NM_001369268.1 (MANE Select); coding-DNA position 385, G replaced by C.
Protein change: p.Gly129Arg; replaces glycine 129 with arginine.
Molecular consequence: missense variant.
Genome position (GRCh38, 1-based): chr15:88,838,977, G>C. VCF-style: chr15-88838977-G-C. GRCh37 (hg19) VCF-style: chr15-89382208-G-C.
Other names: c.385G>C, p.Gly129Arg (NM_001135.4, NM_001411096.1, NM_001411097.1 and 1 more transcripts); short protein forms G129R.
Identifiers: ClinVar variation 2698183 (VCV002698183.3), dbSNP rs2505223416, ClinGen allele CA393716388.